The following is an entry in ClinVar:

ClinVar aggregate classification (germline): Uncertain significance. Review status: criteria provided, multiple submitters, no conflicts (2 of 4 stars). 2 submissions from 2 submitters: Uncertain significance (2). Last evaluated 2022-07-12.

Conditions:
Succinate-semialdehyde dehydrogenase deficiency (SSADHD). Also called: 4-HYDROXYBUTYRIC ACIDURIA; Succinic Semialdehyde Dehydrogenase Deficiency; SSADH DEFICIENCY; GABA METABOLIC DEFECT. Identifiers: Orphanet 22, MedGen C0268631, MONDO:0010083, OMIM 271980.

Allele frequency attached by ClinVar (database versions not stated): gnomAD 0.00001; gnomAD exomes 0.00001 and 0.00002; ExAC 0.00003.
gnomAD v4.1: 16 of 1,612,634 alleles (0.00099%); highest among the groups gnomAD compares: South Asian, 0.0033%; no homozygotes.

Submissions (2):

Labcorp Genetics (formerly Invitae), Labcorp
Classification: Uncertain significance for Succinate-semialdehyde dehydrogenase deficiency. Last evaluated: 2022-07-12. Review status: criteria provided, single submitter. Criteria: Invitae Variant Classification Sherloc (09022015). Collection method: clinical testing. Allele origin: germline.
Comment: This sequence change replaces arginine, which is basic and polar, with glutamine, which is neutral and polar, at codon 125 of the ALDH5A1 protein (p.Arg125Gln). This variant is present in population databases (rs753604213, gnomAD 0.01%). This variant has not been reported in the literature in individuals affected with ALDH5A1-related conditions. ClinVar contains an entry for this variant (Variation ID: 1042110). Algorithms developed to predict the effect of missense changes on protein structure and function are either unavailable or do not agree on the potential impact of this missense change (SIFT: "Deleterious"; PolyPhen-2: "Possibly Damaging"; Align-GVGD: "Class C0"). In summary, the available evidence is currently insufficient to determine the role of this variant in disease. Therefore, it has been classified as a Variant of Uncertain Significance.

Baylor Genetics
Classification: Uncertain significance for Succinate-semialdehyde dehydrogenase deficiency. Last evaluated: 2021-06-29. Review status: criteria provided, single submitter. Criteria: ACMG Guidelines, 2015. Collection method: clinical testing. Allele origin: unknown.

NM_001080.3(ALDH5A1):c.374G>A (p.Arg125Gln)

Gene: ALDH5A1 (aldehyde dehydrogenase 5 family member A1; plus strand). Cytogenetic location: 6p22.3.
Variant type: single nucleotide variant.
Coding change: c.374G>A on transcript NM_001080.3 (MANE Select); coding-DNA position 374, G replaced by A.
Protein change: p.Arg125Gln; replaces arginine 125 with glutamine.
Molecular consequence: missense variant.
Genome position (GRCh38, 1-based): chr6:24,502,542, G>A. VCF-style: chr6-24502542-G-A. GRCh37 (hg19) VCF-style: chr6-24502770-G-A.
Other names: c.374G>A, p.Arg125Gln (NM_001368954.1, NM_170740.1); short protein forms R125Q.
Identifiers: ClinVar variation 1042110 (VCV001042110.6), dbSNP rs753604213, ClinGen allele CA3656605.
Genomic context (GRCh38, chr6:24,502,542, plus strand): 5'-TGGCATTTTATTACTTTTCTGCCTTGTTATTTCTTTTGCAGGAGAGGAGTTCATTACTTC[G>A]GAAGTGGTACAATTTAATGATACAAAATAAGGATGACCTTGCCAGAATAATCACAGCTGA-3'
Protein context (NP_001071.1, residues 115-135): VSAKERSSLL[Arg125Gln]KWYNLMIQNK